The following is an entry in ClinVar:

NM_001036.6(RYR3):c.193G>A (p.Val65Ile)

Gene: RYR3 (ryanodine receptor 3; plus strand). Cytogenetic location: 15q14.
Variant type: single nucleotide variant.
Coding change: c.193G>A on transcript NM_001036.6 (MANE Select); coding-DNA position 193, G replaced by A.
Protein change: p.Val65Ile; replaces valine 65 with isoleucine.
Molecular consequence: missense variant.
Genome position (GRCh38, 1-based): chr15:33,503,652, G>A. VCF-style: chr15-33503652-G-A. GRCh37 (hg19) VCF-style: chr15-33795853-G-A.
Other names: c.193G>A, p.Val65Ile (NM_001243996.4); c.193G>A (NM_001036.3); short protein forms V65I.
Identifiers: ClinVar variation 1002099 (VCV001002099.10), dbSNP rs572913737, ClinGen allele CA7457729.

ClinVar aggregate classification (germline): Uncertain significance. Review status: criteria provided, multiple submitters, no conflicts (2 of 4 stars). 2 submissions from 2 submitters: Uncertain significance (2). Last evaluated 2021-08-12.

Conditions:
Epileptic encephalopathy. Identifiers: MedGen C0543888, HP:0200134.

Allele frequency attached by ClinVar (database versions not stated): gnomAD 0.00001 and 0.00007; TOPMed 0.00002; gnomAD exomes 0.00011 and 0.00021; 1000 Genomes Project 0.00020; ExAC 0.00032; 1000 Genomes Project 30x 0.00047.
gnomAD v4.1: 181 of 1,610,686 alleles (0.011%); highest among the groups gnomAD compares: South Asian, 0.15%; 1 homozygote.

Submissions (2):

Ambry Genetics
Classification: Uncertain significance. Last evaluated: 2021-08-12. Review status: criteria provided, single submitter. Criteria: Ambry Variant Classification Scheme 2023. Collection method: clinical testing. Allele origin: germline.

Labcorp Genetics (formerly Invitae), Labcorp
Classification: Uncertain significance for Epileptic encephalopathy. Last evaluated: 2020-03-06. Review status: criteria provided, single submitter. Criteria: Invitae Variant Classification Sherloc (09022015). Collection method: clinical testing. Allele origin: germline.
Comment: This variant is present in population databases (rs572913737, ExAC 0.2%). This sequence change replaces valine with isoleucine at codon 65 of the RYR3 protein (p.Val65Ile). The valine residue is weakly conserved and there is a small physicochemical difference between valine and isoleucine. This variant has not been reported in the literature in individuals with RYR3-related conditions. Algorithms developed to predict the effect of missense changes on protein structure and function output the following: SIFT: "Tolerated"; PolyPhen-2: "Benign"; Align-GVGD: "Class C0". The isoleucine amino acid residue is found in multiple mammalian species, suggesting that this missense change does not adversely affect protein function. These predictions have not been confirmed by published functional studies and their clinical significance is uncertain. In summary, the available evidence is currently insufficient to determine the role of this variant in disease. Therefore, it has been classified as a Variant of Uncertain Significance.